The following is an entry in ClinVar:

NM_003079.5(SMARCE1):c.632_633dup (p.Val212fs)

Gene: SMARCE1 (SWI/SNF related BAF chromatin remodeling complex subunit E1; minus strand). Cytogenetic location: 17q21.2.
Variant type: Microsatellite.
Coding change: c.632_633dup on transcript NM_003079.5 (MANE Select); coding-DNA positions 632 to 633, 2 bases duplicated (TG; older notation c.632_633dupTG).
Protein change: p.Val212fs; shifts the reading frame from valine 212.
Molecular consequence: frameshift variant.
Genome position (GRCh38, 1-based): chr17:40,632,276-40,632,277, CA duplicated on the plus strand (TG on the coding strand, the reverse complement: SMARCE1 is on the minus strand); duplicating any 2 consecutive bases within chr17:40,632,276-40,632,280 gives the same sequence; the c. name uses the placement nearest the transcript's 3' end. VCF-style (leftmost placement, unchanged base first): chr17-40632275-C-CCA. GRCh37 (hg19) VCF-style: chr17-38788527-C-CCA.
Other names: c.632_633dupTG (NM_003079.4); c.629_630GT[3], p.Val212Trpfs (NM_003079.4); short protein forms V212fs.
Identifiers: ClinVar variation 3320859 (VCV003320859.1).

ClinVar aggregate classification (germline): Pathogenic (1 of 4 stars; one submission).

Conditions:
Hereditary cancer-predisposing syndrome. Also called: Neoplastic Syndromes, Hereditary; Tumor predisposition; Hereditary neoplastic syndrome; Hereditary Cancer Syndrome. Identifiers: Orphanet 140162, MedGen C0027672, MeSH D009386, MONDO:0015356.

Submission:

Ambry Genetics
Classification: Pathogenic for Hereditary cancer-predisposing syndrome. Last evaluated: 2024-05-25. Review status: criteria provided, single submitter. Criteria: Ambry Variant Classification Scheme 2023. Collection method: clinical testing. Allele origin: germline.
Comment: The c.632_633dupTG variant, located in coding exon 7 of the SMARCE1 gene, results from a duplication of TG at nucleotide position 632, causing a translational frameshift with a predicted alternate stop codon (p.V212Wfs*24). This variant is considered to be rare based on population cohorts in the Genome Aggregation Database (gnomAD). Loss-of-function variants in SMARCE1 are known to cause increased risk of meningiomas; however, such associations with neurodevelopmental disorders are exceedingly rare (Kosho T et al. Am J Med Genet C Semin Med Genet. 2014 Sep;166C(3):262-75; Smith JM et al. Nat Genet. 2013 Mar;45(3):295-8). This alteration is expected to result in loss of function by premature protein truncation or nonsense-mediated mRNA decay. Based on the supporting evidence, this alteration is pathogenic for an increased risk of meningiomas; however, the association of this alteration with Coffin-Siris syndrome is unlikely.